The following is an entry in ClinVar:

ClinVar aggregate classification (germline): Likely benign. Review status: criteria provided, multiple submitters, no conflicts (2 of 4 stars). 2 submissions from 2 submitters: Likely benign (2). Last evaluated 2025-08-18.

Conditions:
Developmental and epileptic encephalopathy, 12 (DEE12). Identifiers: MedGen C3150988, MONDO:0013389, OMIM 613722.

Submissions (2):

Labcorp Genetics (formerly Invitae), Labcorp
Classification: Likely benign for Developmental and epileptic encephalopathy, 12. Last evaluated: 2025-08-18. Review status: criteria provided, single submitter. Criteria: Invitae Variant Classification Sherloc (09022015). Collection method: clinical testing. Allele origin: germline.

GeneDx
Classification: Likely benign. Last evaluated: 2016-03-14. Review status: criteria provided, single submitter. Criteria: GeneDx Variant Classification (06012015). Collection method: clinical testing. Allele origin: germline. Affected: yes.
Comment: This variant is considered likely benign or benign based on one or more of the following criteria: it is a conservative change, it occurs at a poorly conserved position in the protein, it is predicted to be benign by multiple in silico algorithms, and/or has population frequency not consistent with disease.

NM_007254.4(PNKP):c.1164G>T (p.Ser388=)

Gene: PNKP (polynucleotide kinase 3'-phosphatase; minus strand). Cytogenetic location: 19q13.33.
Variant type: single nucleotide variant.
Coding change: c.1164G>T on transcript NM_007254.4 (MANE Select); coding-DNA position 1164, G replaced by T.
Protein change: p.Ser388=; no amino-acid change (serine 388 retained).
Molecular consequence: synonymous variant.
Genome position (GRCh38, 1-based): chr19:49,862,068, C>A on the plus strand (G>T on the coding strand, the complement: PNKP is on the minus strand). VCF-style: chr19-49862068-C-A. GRCh37 (hg19) VCF-style: chr19-50365325-C-A.
Identifiers: ClinVar variation 384386 (VCV000384386.4), dbSNP rs776788871, ClinGen allele CA16608205.